The following is an entry in ClinVar:

NM_000443.4(ABCB4):c.80+1G>C

Gene: ABCB4 (ATP binding cassette subfamily B member 4; minus strand). Cytogenetic location: 7q21.12.
Variant type: single nucleotide variant.
Coding change: c.80+1G>C on transcript NM_000443.4 (MANE Select); the canonical splice donor site of the intron after coding-DNA position 80, G replaced by C.
Molecular consequence: splice donor variant.
Genome position (GRCh38, 1-based): chr7:87,475,385, C>G on the plus strand (G>C on the coding strand, the complement: ABCB4 is on the minus strand). VCF-style: chr7-87475385-C-G. GRCh37 (hg19) VCF-style: chr7-87104701-C-G.
Other names: c.80+1G>C (NM_018850.3, NM_018849.3).
Identifiers: ClinVar variation 4846375 (VCV004846375.1).

ClinVar aggregate classification (germline): Pathogenic (1 of 4 stars; one submission).

Conditions:
Familial intrahepatic cholestasis. Identifiers: Orphanet 284385, MedGen CN296401, MONDO:0017290.

Submission:

Genomenon, Inc
Classification: Pathogenic for Familial intrahepatic cholestasis. Last evaluated: 2026-04-14. Review status: criteria provided, single submitter. Criteria: Genomenon Sequence Variant Interpretation Standards - Updated. Collection method: curation. Allele origin: germline. Affected: yes.
Comment: ABCB4 c.80+1G>C is a canonical splice variant affecting the donor splice site of intron 2. It is predicted to affect mRNA splicing, leading to a deleterious effect on the ABCB4 protein. This variant has been observed in at least one proband with an ABCB4-related disorder (PMID:36550572). It is absent or not present at a significant frequency in gnomAD. In conclusion, we classify ABCB4 c.80+1G>C as a pathogenic variant.

Literature cited by the submitters: PubMed 36550572.